The following is an entry in ClinVar:

NM_205850.3(SLC24A5):c.279del (p.Ser94fs)

Gene: SLC24A5 (solute carrier family 24 member 5; plus strand). Cytogenetic location: 15q21.1.
Variant type: Deletion.
Coding change: c.279del on transcript NM_205850.3 (MANE Select); coding-DNA position 279, one base deleted (C; older notation c.279delC).
Protein change: p.Ser94fs; shifts the reading frame from serine 94.
Molecular consequence: frameshift variant.
Genome position (GRCh38, 1-based): chr15:48,122,014, C deleted; the last of 3 consecutive C bases (chr15:48,122,012-48,122,014); deleting any one gives the same sequence. VCF-style (leftmost placement, unchanged base first): chr15-48122011-AC-A. GRCh37 (hg19) VCF-style: chr15-48414208-AC-A.
Other names: short protein forms S94fs.
Identifiers: ClinVar variation 2048016 (VCV002048016.4), dbSNP rs2038684134, ClinGen allele CA969541037.

ClinVar aggregate classification (germline): Pathogenic (1 of 4 stars; one submission).

Submission:

Labcorp Genetics (formerly Invitae), Labcorp
Classification: Pathogenic. Last evaluated: 2021-12-19. Review status: criteria provided, single submitter. Criteria: Invitae Variant Classification Sherloc (09022015). Collection method: clinical testing. Allele origin: germline.
Comment: For these reasons, this variant has been classified as Pathogenic. This variant has not been reported in the literature in individuals affected with SLC24A5-related conditions. This variant is not present in population databases (gnomAD no frequency). This sequence change creates a premature translational stop signal (p.Ser94Profs*30) in the SLC24A5 gene. It is expected to result in an absent or disrupted protein product. Loss-of-function variants in SLC24A5 are known to be pathogenic (PMID: 23985994, 26686029).

Literature cited by the submitters: PubMed 23985994; PubMed 26686029.